The following is an entry in ClinVar:

ClinVar aggregate classification (germline): Uncertain significance (1 of 4 stars; one submission).

Conditions:
Werner syndrome (WRN). Identifiers: Orphanet 902, MedGen C0043119, MONDO:0010196, OMIM 277700.

Submission:

Juno Genomics, Hangzhou Juno Genomics, Inc
Classification: Uncertain significance for Werner syndrome. Review status: criteria provided, single submitter. Criteria: ACMG Guidelines, 2015. Collection method: clinical testing. Allele origin: germline.
Comment: Absent from controls (or at extremely low frequency if recessive) in Genome Aggregation Database.;Multiple lines of computational evidence support a deleterious effect on the gene or gene product.

NM_000553.6(WRN):c.3310-26A>G

Gene: WRN (WRN RecQ like helicase; plus strand). Cytogenetic location: 8p12.
Variant type: single nucleotide variant.
Coding change: c.3310-26A>G on transcript NM_000553.6 (MANE Select); 26 bases into the intron before coding-DNA position 3310, A replaced by G.
Molecular consequence: intron variant.
Genome position (GRCh38, 1-based): chr8:31,143,524, A>G. VCF-style: chr8-31143524-A-G. GRCh37 (hg19) VCF-style: chr8-31001040-A-G.
Identifiers: ClinVar variation 5007302 (VCV005007302.2).